The following is an entry in ClinVar:

ClinVar aggregate classification (germline): Uncertain significance. Review status: criteria provided, multiple submitters, no conflicts (2 of 4 stars). 4 submissions from 4 submitters: Uncertain significance (3). 1 of the submissions does not count toward it. Last evaluated 2024-01-24.

Conditions:
Medulloblastoma (MDB). Also called: Medulloblastoma, somatic; MEDULLOBLASTOMA PREDISPOSITION SYNDROME. Identifiers: Orphanet 616, MedGen C0025149, MeSH D008527, MONDO:0007959, OMIM 155255, HP:0002885.
Familial dysautonomia. Also called: HSAN III; FD. Identifiers: Orphanet 1764, MedGen C0013364, MONDO:0009131, OMIM 223900. Disease mechanism: loss of function.

Allele frequency attached by ClinVar (database versions not stated): ExAC 0.00002; gnomAD exomes 0.00002 and 0.00007; TOPMed 0.00002.
gnomAD v4.1: 100 of 1,609,286 alleles (0.0062%); highest among the groups gnomAD compares: Non-Finnish European, 0.0083%; no homozygotes.

Submissions (4):

Fulgent Genetics
Classification: Uncertain significance for Medulloblastoma; Familial dysautonomia. Last evaluated: 2024-01-24. Review status: criteria provided, single submitter. Criteria: ACMG Guidelines, 2015. Collection method: clinical testing. Allele origin: germline.

Labcorp Genetics (formerly Invitae), Labcorp
Classification: Uncertain significance. Last evaluated: 2021-09-02. Review status: criteria provided, single submitter. Criteria: Invitae Variant Classification Sherloc (09022015). Collection method: clinical testing. Allele origin: germline.
Comment: This sequence change replaces isoleucine with threonine at codon 936 of the ELP1 protein (p.Ile936Thr). The isoleucine residue is highly conserved and there is a moderate physicochemical difference between isoleucine and threonine. The frequency data for this variant in the population databases is considered unreliable, as metrics indicate poor data quality at this position in the ExAC database. This variant has not been reported in the literature in individuals affected with ELP1-related conditions. Algorithms developed to predict the effect of missense changes on protein structure and function (SIFT, PolyPhen-2, Align-GVGD) all suggest that this variant is likely to be disruptive. In summary, the available evidence is currently insufficient to determine the role of this variant in disease. Therefore, it has been classified as a Variant of Uncertain Significance.

Ambry Genetics
Classification: Uncertain significance. Last evaluated: 2021-06-11. Review status: criteria provided, single submitter. Criteria: Ambry Variant Classification Scheme 2023. Collection method: clinical testing. Allele origin: germline.
Comment: The p.I936T variant (also known as c.2807T>C), located in coding exon 25 of the IKBKAP gene, results from a T to C substitution at nucleotide position 2807. The isoleucine at codon 936 is replaced by threonine, an amino acid with similar properties. This amino acid position is highly conserved in available vertebrate species. In addition, this alteration is predicted to be deleterious by in silico analysis. Since supporting evidence is limited at this time, the clinical significance of this alteration remains unclear.

Natera, Inc.
Classification: Uncertain significance for Familial dysautonomia. Last evaluated: 2020-08-04. Review status: no assertion criteria provided. Collection method: clinical testing. Allele origin: germline. Not counted in ClinVar's aggregate classification.

NM_003640.5(ELP1):c.2807T>C (p.Ile936Thr)

Gene: ELP1 (elongator acetyltransferase complex subunit 1; minus strand). Cytogenetic location: 9q31.3.
Variant type: single nucleotide variant.
Coding change: c.2807T>C on transcript NM_003640.5 (MANE Select); coding-DNA position 2807, T replaced by C.
Protein change: p.Ile936Thr; replaces isoleucine 936 with threonine.
Molecular consequence: missense variant.
Genome position (GRCh38, 1-based): chr9:108,893,996, A>G on the plus strand (T>C on the coding strand, the complement: ELP1 is on the minus strand). VCF-style: chr9-108893996-A-G. GRCh37 (hg19) VCF-style: chr9-111656276-A-G.
Other names: c.2465T>C, p.Ile822Thr (NM_001318360.2); c.1760T>C, p.Ile587Thr (NM_001330749.2); short protein forms I587T, I822T, I936T.
Identifiers: ClinVar variation 970440 (VCV000970440.9), dbSNP rs199617267, ClinGen allele CA5174531.
Genomic context (GRCh38, chr9:108,893,996, plus strand): 5'-CACTTACCACATTTGCTGAGGTGGCCAATGGCTTTTTCATATCGTTTCAAGTATTTGTCT[A>G]TAGTAAACCGCTGATAATTAGTTTCCATTTTCTTAAGTGTATTAAGAAATGGAAGATATT-3'
Protein context (NP_003631.2, residues 926-946): KMETNYQRFT[Ile936Thr]DKYLKRYEKA